The following is an entry in ClinVar:

ClinVar aggregate classification (germline): Uncertain significance. Review status: criteria provided, multiple submitters, no conflicts (2 of 4 stars). 2 submissions from 2 submitters: Uncertain significance (2). Last evaluated 2025-08-21.

Conditions:
Inborn genetic diseases. Identifiers: MedGen C0950123, MeSH D030342.

Allele frequency attached by ClinVar (database versions not stated): gnomAD exomes below 0.00001; ExAC 0.00001.

Submissions (2):

Ambry Genetics
Classification: Uncertain significance for Inborn genetic diseases. Last evaluated: 2025-08-21. Review status: criteria provided, single submitter. Criteria: Ambry Variant Classification Scheme 2023. Collection method: clinical testing. Allele origin: germline.

Labcorp Genetics (formerly Invitae), Labcorp
Classification: Uncertain significance. Last evaluated: 2023-05-15. Review status: criteria provided, single submitter. Criteria: Invitae Variant Classification Sherloc (09022015). Collection method: clinical testing. Allele origin: germline.
Comment: ClinVar contains an entry for this variant (Variation ID: 1025093). This variant has not been reported in the literature in individuals affected with KIAA1549-related conditions. This variant is present in population databases (rs760918674, gnomAD 0.0009%). This sequence change replaces glycine, which is neutral and non-polar, with valine, which is neutral and non-polar, at codon 1108 of the KIAA1549 protein (p.Gly1108Val). In summary, the available evidence is currently insufficient to determine the role of this variant in disease. Therefore, it has been classified as a Variant of Uncertain Significance. An algorithm developed to predict the effect of missense changes on protein structure and function (PolyPhen-2) suggests that this variant is likely to be disruptive.

NM_001164665.2(KIAA1549):c.3323G>T (p.Gly1108Val)

Gene: KIAA1549 (KIAA1549; minus strand). Cytogenetic location: 7q34.
Variant type: single nucleotide variant.
Coding change: c.3323G>T on transcript NM_001164665.2 (MANE Select); coding-DNA position 3323, G replaced by T.
Protein change: p.Gly1108Val; replaces glycine 1108 with valine.
Molecular consequence: missense variant.
Genome position (GRCh38, 1-based): chr7:138,907,056, C>A on the plus strand (G>T on the coding strand, the complement: KIAA1549 is on the minus strand). VCF-style: chr7-138907056-C-A. GRCh37 (hg19) VCF-style: chr7-138591802-C-A.
Other names: c.3323G>T, p.Gly1108Val (NM_020910.3); c.3323G>T (NM_001164665.1); short protein forms G1108V.
Identifiers: ClinVar variation 1025093 (VCV001025093.11), dbSNP rs760918674, ClinGen allele CA4506241.